The following is an entry in ClinVar:

ClinVar aggregate classification (germline): Likely benign. Review status: criteria provided, multiple submitters, no conflicts (2 of 4 stars). 2 submissions from 2 submitters: Likely benign (2). Last evaluated 2025-12-13.

Conditions:
ARHGEF10-related disorder. Also called: ARHGEF10-related condition.

Allele frequency attached by ClinVar (database versions not stated): gnomAD 0.00001; gnomAD exomes 0.00003; TOPMed 0.00003; ExAC 0.00004.
gnomAD v4.1: 49 of 1,614,068 alleles (0.003%); highest among the groups gnomAD compares: African/African-American, 0.004%; no homozygotes.

Submissions (2):

PreventionGenetics, part of Exact Sciences
Classification: Likely benign for ARHGEF10-related condition. Last evaluated: 2025-12-13. Review status: criteria provided, single submitter. Criteria: ACMG Guidelines, 2015. Collection method: clinical testing. Allele origin: germline.
Comment: This variant is classified as likely benign based on ACMG/AMP sequence variant interpretation guidelines (Richards et al. 2015 PMID: 25741868, with internal and published modifications).

Labcorp Genetics (formerly Invitae), Labcorp
Classification: Likely benign. Last evaluated: 2023-11-27. Review status: criteria provided, single submitter. Criteria: Invitae Variant Classification Sherloc (09022015). Collection method: clinical testing. Allele origin: germline.

NM_014629.4(ARHGEF10):c.3336G>A (p.Thr1112=)

Gene: ARHGEF10 (Rho guanine nucleotide exchange factor 10; plus strand). Cytogenetic location: 8p23.3.
Variant type: single nucleotide variant.
Coding change: c.3336G>A on transcript NM_014629.4 (MANE Select); coding-DNA position 3336, G replaced by A.
Protein change: p.Thr1112=; no amino-acid change (threonine 1112 retained).
Molecular consequence: synonymous variant.
Genome position (GRCh38, 1-based): chr8:1,945,594, G>A. VCF-style: chr8-1945594-G-A. GRCh37 (hg19) VCF-style: chr8-1893760-G-A.
Other names: c.3222G>A, p.Thr1074= (NM_001308152.2); c.3336G>A, p.Thr1112= (NM_001308153.3); c.3336G>A (NM_014629.3).
Identifiers: ClinVar variation 2711930 (VCV002711930.4), dbSNP rs535421314, ClinGen allele CA4601305.
Genomic context (GRCh38, chr8:1,945,594, plus strand): 5'-GTCCGGCGTCGGGATCTGGATTGCCTTCACCTCAGGGTCCACGCTCCGCCTTTTTCACAC[G>A]GAAACTCTCAAGCACCTGCAGGACATCAACATCGCCACCCCTGTTCACAACATGCTGCCA-3'
Protein context (NP_055444.2, residues 1102-1122): TSGSTLRLFH[Thr1112=]ETLKHLQDIN